The following is an entry in ClinVar:

ClinVar aggregate classification (germline): Pathogenic (1 of 4 stars; one submission).

Submission:

GeneDx
Classification: Pathogenic. Last evaluated: 2017-01-10. Review status: criteria provided, single submitter. Criteria: GeneDx Variant Classification (06012015). Collection method: clinical testing. Allele origin: germline. Affected: yes.
Comment: The c.1504-2 A>C splice site variant in the CASK gene destroys the canonical splice acceptor site in intron 15. It is predicted to cause abnormal gene splicing, either leading to an abnormal message that is subject to nonsense-mediated mRNA decay, or to an abnormal protein product if the message is used for protein translation. The c.1504-2 A>C variant is not observed in large population cohorts (Lek et al., 2016; 1000 Genomes Consortium et al., 2015; Exome Variant Server).

NM_001367721.1(CASK):c.1504-2A>C

Gene: CASK (calcium/calmodulin dependent serine protein kinase; minus strand). Cytogenetic location: Xp11.4.
Variant type: single nucleotide variant.
Coding change: c.1504-2A>C on transcript NM_001367721.1 (MANE Select); the canonical splice acceptor site of the intron before coding-DNA position 1504, A replaced by C.
Molecular consequence: splice acceptor variant.
Genome position (GRCh38, 1-based): chrX:41,569,748, T>G on the plus strand (A>C on the coding strand, the complement: CASK is on the minus strand). VCF-style: chrX-41569748-T-G. GRCh37 (hg19) VCF-style: chrX-41429001-T-G.
Other names: c.1486-2A>C (NM_001126055.3, NM_001410745.1); c.1504-2A>C (NM_001126054.3, NM_003688.4).
Identifiers: ClinVar variation 392425 (VCV000392425.2), dbSNP rs1057524485, ClinGen allele CA16608927.